The following is an entry in ClinVar:

NM_001042492.3(NF1):c.1084A>T (p.Lys362Ter)

Gene: NF1 (neurofibromin 1; plus strand). Cytogenetic location: 17q11.2.
Variant type: single nucleotide variant.
Coding change: c.1084A>T on transcript NM_001042492.3 (MANE Select); coding-DNA position 1084, A replaced by T.
Protein change: p.Lys362Ter; replaces lysine 362 with a stop codon.
Molecular consequence: nonsense.
Genome position (GRCh38, 1-based): chr17:31,201,058, A>T. VCF-style: chr17-31201058-A-T. GRCh37 (hg19) VCF-style: chr17-29528076-A-T.
Other names: c.1084A>T, p.Lys362Ter (NM_000267.4, NM_001128147.3); short protein forms K362*.
Identifiers: ClinVar variation 2137958 (VCV002137958.4), dbSNP rs2066519027, ClinGen allele CA398996771.

ClinVar aggregate classification (germline): Pathogenic (1 of 4 stars; one submission).

Conditions:
Neurofibromatosis, type 1 (NF1). Also called: Peripheral type neurofibromatosis; VON RECKLINGHAUSEN DISEASE; NEUROFIBROMATOSIS, TYPE I, SOMATIC; Neurofibromatosis, type I. Identifiers: Orphanet 636, MedGen C0027831, MONDO:0018975, OMIM 162200. Disease mechanism: loss of function.

Submission:

Labcorp Genetics (formerly Invitae), Labcorp
Classification: Pathogenic for Neurofibromatosis, type 1. Last evaluated: 2024-09-14. Review status: criteria provided, single submitter. Criteria: Invitae Variant Classification Sherloc (09022015). Collection method: clinical testing. Allele origin: germline.
Comment: This sequence change creates a premature translational stop signal (p.Lys362*) in the NF1 gene. It is expected to result in an absent or disrupted protein product. Loss-of-function variants in NF1 are known to be pathogenic (PMID: 10712197, 23913538). This variant is not present in population databases (gnomAD no frequency). This premature translational stop signal has been observed in individual(s) with neurofibromatosis, type 1 (PMID: 16835897). ClinVar contains an entry for this variant (Variation ID: 2137958). For these reasons, this variant has been classified as Pathogenic.

Literature cited by the submitters: PubMed 10712197; PubMed 23913538; PubMed 16835897.